The following is an entry in ClinVar:

NM_001754.5(RUNX1):c.1160G>C (p.Gly387Ala)

Gene: RUNX1 (RUNX family transcription factor 1; minus strand). Cytogenetic location: 21q22.12.
Variant type: single nucleotide variant.
Coding change: c.1160G>C on transcript NM_001754.5 (MANE Select); coding-DNA position 1160, G replaced by C.
Protein change: p.Gly387Ala; replaces glycine 387 with alanine.
Molecular consequence: missense variant.
Genome position (GRCh38, 1-based): chr21:34,792,418, C>G on the plus strand (G>C on the coding strand, the complement: RUNX1 is on the minus strand). VCF-style: chr21-34792418-C-G. GRCh37 (hg19) VCF-style: chr21-36164715-C-G.
Other names: NM_001754.4(RUNX1):c.1160G>C; c.1079G>C, p.Gly360Ala (NM_001001890.3); short protein forms G387A, G360A.
Identifiers: ClinVar variation 532662 (VCV000532662.11), dbSNP rs1238015554, ClinGen allele CA410147917.

ClinVar aggregate classification (germline): Uncertain significance. Review status: reviewed by expert panel (3 of 4 stars). 4 submissions from 4 submitters: Uncertain significance (1). 3 of the submissions do not count toward it. Last evaluated 2019-07-26.

Conditions:
Inborn genetic diseases. Identifiers: MedGen C0950123, MeSH D030342.
Hereditary thrombocytopenia and hematological cancer predisposition syndrome associated with RUNX1. Also called: Familial Platelet Disorder with Propensity to Acute Myelogenous Leukemia; Familial thrombocytopenia with propensity to acute myelogenous leukemia; RUNX1 Familial Platelet Disorder with Associated Myeloid Malignancies; PLATELET DISORDER, ASPIRIN-LIKE. Identifiers: Orphanet 71290, MedGen C1832388, MeSH C563324, MONDO:0100083, OMIM 601399.

Allele frequency attached by ClinVar (database versions not stated): gnomAD exomes below 0.00001 and 0.00001.
gnomAD v4.1: 2 of 1,570,676 alleles (0.00013%); highest among the groups gnomAD compares: Non-Finnish European, 0.00017%; no homozygotes.

Submissions (4):

ClinGen Myeloid Malignancy Variant Curation Expert Panel
Classification: Uncertain significance for Familial platelet disorder with associated myeloid malignancy. Last evaluated: 2019-07-26. Review status: reviewed by expert panel. Criteria: ClinGen MyeloMalig ACMG Specifications v1. Collection method: curation. Allele origin: germline. Inheritance: Autosomal dominant inheritance.
Comment: The NM_001754.4:c.1160G>C (p.Gly387Ala) variant has been reported in one proband meeting at least one of the RUNX1-phenotypic criteria (PS4_ Supporting; PMID: 27210295). This missense variant has a REVEL score <0.15 (0.141) and SSF and MES predict either an increase in the canonical splice site score or a decrease of the canonical splice site score by no more than 10% and no putative cryptic splice sites are created (BP4). The gnomAD Allele Frequency of this variant is 0.00001. In summary, the clinical significance of this variant is uncertain (VUS). ACMG/AMP criteria applied, as specified by the ClinGen Myeloid Malignancy Variant Curation Expert Panel for RUNX1: PS4_ supporting, BP4.

Ambry Genetics
Classification: Uncertain significance for Inborn genetic diseases. Last evaluated: 2025-10-02. Review status: criteria provided, single submitter. Criteria: Ambry Variant Classification Scheme 2023. Collection method: clinical testing. Allele origin: germline. Not counted in ClinVar's aggregate classification.
Comment: The p.G387A variant (also known as c.1160G>C), located in coding exon 8 of the RUNX1 gene, results from a G to C substitution at nucleotide position 1160. The glycine at codon 387 is replaced by alanine, an amino acid with similar properties. This variant was reported in individual(s) with features consistent with RUNX1 familial platelet disorder with associated myeloid malignancies (DiNardo CD et al. Clin Lymphoma Myeloma Leuk, 2016 Jul;16:417-428.e2). This amino acid position is highly conserved in available vertebrate species. In addition, this alteration is predicted to be tolerated by in silico analysis. Based on the available evidence, the clinical significance of this variant remains unclear.

Labcorp Genetics (formerly Invitae), Labcorp
Classification: Uncertain significance for Hereditary thrombocytopenia and hematological cancer predisposition syndrome associated with RUNX1. Last evaluated: 2024-02-22. Review status: criteria provided, single submitter. Criteria: Invitae Variant Classification Sherloc (09022015). Collection method: clinical testing. Allele origin: germline. Not counted in ClinVar's aggregate classification.
Comment: This sequence change replaces glycine, which is neutral and non-polar, with alanine, which is neutral and non-polar, at codon 387 of the RUNX1 protein (p.Gly387Ala). This variant is present in population databases (no rsID available, gnomAD 0.001%). This missense change has been observed in individual(s) with myeloid neoplasm (PMID: 27210295). ClinVar contains an entry for this variant (Variation ID: 532662). Advanced modeling of protein sequence and biophysical properties (such as structural, functional, and spatial information, amino acid conservation, physicochemical variation, residue mobility, and thermodynamic stability) performed at Invitae indicates that this missense variant is not expected to disrupt RUNX1 protein function with a negative predictive value of 80%. In summary, the available evidence is currently insufficient to determine the role of this variant in disease. Therefore, it has been classified as a Variant of Uncertain Significance.

PreventionGenetics, part of Exact Sciences
Classification: Uncertain significance. Last evaluated: 2015-07-15. Review status: criteria provided, single submitter. Criteria: ACMG Guidelines, 2015. Collection method: clinical testing. Allele origin: germline. Not counted in ClinVar's aggregate classification.

Literature cited by the submitters: PubMed 27210295 (cited by 3 submitters).